The following is an entry in ClinVar:

NM_004371.4(COPA):c.2476+9C>T

Gene: COPA (coat protein complex I subunit alpha; minus strand). Cytogenetic location: 1q23.2.
Variant type: single nucleotide variant.
Coding change: c.2476+9C>T on transcript NM_004371.4 (MANE Select); 9 bases into the intron after coding-DNA position 2476, C replaced by T.
Molecular consequence: intron variant.
Genome position (GRCh38, 1-based): chr1:160,295,727, G>A on the plus strand (C>T on the coding strand, the complement: COPA is on the minus strand). VCF-style: chr1-160295727-G-A. GRCh37 (hg19) VCF-style: chr1-160265517-G-A.
Other names: c.2503+9C>T (NM_001098398.2).
Identifiers: ClinVar variation 1675163 (VCV001675163.1), dbSNP rs758402711, ClinGen allele CA1197886.
Genomic context (GRCh38, chr1:160,295,727, plus strand): 5'-ATGGTATTCTCTAGGACAGTTCTTCACAAAACAAACAACAAAAGTGCTATGGGAGAAATA[G>A]GTACTTACCTTTGCTGGCAATGGTGCCTTCAAAAAATCCTTTGGATACAGTCAATAAAGG-3'

ClinVar aggregate classification (germline): Uncertain significance (1 of 4 stars; one submission).

Conditions:
Autoimmune interstitial lung disease-arthritis syndrome. Also called: Autoinflammation and autoimmunity, systemic, with immune dysregulation. Identifiers: Orphanet 444092, MedGen C5975714, MONDO:0014629.

Allele frequency attached by ClinVar (database versions not stated): ExAC 0.00001; gnomAD exomes below 0.00001.
gnomAD v4.1: 5 of 1,595,774 alleles (0.00031%); highest among the groups gnomAD compares: South Asian, 0.0057%; no homozygotes.

Submission:

Center for Genomics, Ann and Robert H. Lurie Children's Hospital of Chicago
Classification: Uncertain significance for Autoinflammation and autoimmunity with immune dysregulation 1. Last evaluated: 2022-02-01. Review status: criteria provided, single submitter. Criteria: ACMG Guidelines, 2015. Collection method: clinical testing. Allele origin: germline.
Comment: COPA NM_004371.3 intron 23 c.2476+9C>T: This variant has not been reported in the literature and is not present in large control databases. Evolutionary conservation and computational predictive tools for this variant are limited or unavailable. This variant is an intronic variant with no predicted change in the amino acid sequence but may have an unknown effect on splicing. Splice prediction tools do not suggest that this variant may affect splicing. However, further studies are needed to understand its impact. In summary, data on this variant is insufficient for disease classification. Therefore, the clinical significance of this variant is uncertain.